The following is an entry in ClinVar:

ClinVar aggregate classification (germline): Benign. Review status: criteria provided, multiple submitters, no conflicts (2 of 4 stars). 4 submissions from 4 submitters: Benign (4). Last evaluated 2026-01-16.

Conditions:
Nemaline myopathy 8 (NEM8). Also called: Nemaline myopathy 8, autosomal recessive. Identifiers: Orphanet 171430, MedGen C3809209, MONDO:0014138, OMIM 615348.

Allele frequency attached by ClinVar (database versions not stated): 1000 Genomes Project 0.00479; gnomAD 0.00033 and 0.00099; ESP Exome Variant Server 0.00038; TOPMed 0.00051; ExAC 0.00384; 1000 Genomes Project 30x 0.00453.
gnomAD v4.1: 2,743 of 1,610,860 alleles (0.17%); highest among the groups gnomAD compares: South Asian, 2.4%; 47 homozygotes.

Submissions (4):

Labcorp Genetics (formerly Invitae), Labcorp
Classification: Benign for Nemaline myopathy 8. Last evaluated: 2026-01-16. Review status: criteria provided, single submitter. Criteria: Invitae Variant Classification Sherloc (09022015). Collection method: clinical testing. Allele origin: germline.

GeneDx
Classification: Benign. Last evaluated: 2016-12-13. Review status: criteria provided, single submitter. Criteria: GeneDx Variant Classification (06012015). Collection method: clinical testing. Allele origin: germline. Affected: yes.
Comment: This variant is considered likely benign or benign based on one or more of the following criteria: it is a conservative change, it occurs at a poorly conserved position in the protein, it is predicted to be benign by multiple in silico algorithms, and/or has population frequency not consistent with disease.

Breakthrough Genomics
Classification: Benign. Review status: criteria provided, single submitter. Criteria: ACMG Guidelines, 2015. Collection method: not provided. Allele origin: germline. Inheritance: Autosomal recessive inheritance. Affected: yes.

PreventionGenetics, part of Exact Sciences
Classification: Benign. Review status: criteria provided, single submitter. Criteria: ACMG Guidelines, 2015. Collection method: clinical testing. Allele origin: germline.

NM_152393.4(KLHL40):c.1738C>A (p.Leu580Ile)

Gene: KLHL40 (kelch like family member 40; plus strand). Cytogenetic location: 3p22.1.
Variant type: single nucleotide variant.
Coding change: c.1738C>A on transcript NM_152393.4 (MANE Select); coding-DNA position 1738, C replaced by A.
Protein change: p.Leu580Ile; replaces leucine 580 with isoleucine.
Molecular consequence: missense variant.
Genome position (GRCh38, 1-based): chr3:42,690,989, C>A. VCF-style: chr3-42690989-C-A. GRCh37 (hg19) VCF-style: chr3-42732481-C-A.
Other names: short protein forms L580I.
Identifiers: ClinVar variation 262642 (VCV000262642.12), dbSNP rs149980411, ClinGen allele CA2337060.